The following is an entry in ClinVar:

NM_175918.3(CRIPAK):c.624T>G (p.Pro208=)

Genes: CRIPAK (cysteine rich PAK1 inhibitor; plus strand), UVSSA (UV stimulated scaffold protein A; plus strand), LOC126806945 (P300/CBP strongly-dependent group 1 enhancer GRCh37_chr4:1388225-1389424; plus strand). Cytogenetic location: 4p16.3.
Variant type: single nucleotide variant.
Coding change: c.624T>G on transcript NM_175918.3; coding-DNA position 624, T replaced by G.
Protein change: p.Pro208=; no amino-acid change (proline 208 retained).
Molecular consequence: synonymous variant.
Genome position (GRCh38, 1-based): chr4:1,395,135, T>G. VCF-style: chr4-1395135-T-G. GRCh37 (hg19) VCF-style: chr4-1388923-T-G.
Identifiers: ClinVar variation 2654571 (VCV002654571.24), dbSNP rs76549100, ClinGen allele CA2807029.

ClinVar aggregate classification (germline): Likely benign (1 of 4 stars; one submission).

Allele frequency attached by ClinVar (database versions not stated): 1000 Genomes Project 0.00160; gnomAD exomes 0.00677.

Submission:

CeGaT Center for Human Genetics Tuebingen
Classification: Likely benign. Last evaluated: 2023-06-01. Review status: criteria provided, single submitter. Criteria: CeGaT Center For Human Genetics Tuebingen Variant Classification Criteria Version 2. Collection method: clinical testing. Allele origin: germline. Affected: yes. Observed: 2 variant alleles.
Comment: CRIPAK: BP4, BP7, BS2